The following is an entry in ClinVar:

NM_004304.5(ALK):c.2204+5G>A

Gene: ALK (ALK receptor tyrosine kinase; minus strand). Cytogenetic location: 2p23.2.
Variant type: single nucleotide variant.
Coding change: c.2204+5G>A on transcript NM_004304.5 (MANE Select); 5 bases into the intron after coding-DNA position 2204, G replaced by A.
Molecular consequence: intron variant.
Genome position (GRCh38, 1-based): chr2:29,251,100, C>T on the plus strand (G>A on the coding strand, the complement: ALK is on the minus strand). VCF-style: chr2-29251100-C-T. GRCh37 (hg19) VCF-style: chr2-29473966-C-T.
Identifiers: ClinVar variation 578692 (VCV000578692.8), dbSNP rs367892725, ClinGen allele CA1594414.

ClinVar aggregate classification (germline): Uncertain significance. Review status: criteria provided, multiple submitters, no conflicts (2 of 4 stars). 2 submissions from 2 submitters: Uncertain significance (2). Last evaluated 2025-07-09.

Conditions:
Hereditary cancer-predisposing syndrome. Also called: Hereditary neoplastic syndrome; Tumor predisposition; Hereditary Cancer Syndrome; Neoplastic Syndromes, Hereditary. Identifiers: Orphanet 140162, MedGen C0027672, MeSH D009386, MONDO:0015356.
Neuroblastoma, susceptibility to, 3. Also called: ALK-Related Neuroblastic Tumor Susceptibility. Identifiers: Orphanet 635, MedGen C2751681, MONDO:0013083, OMIM 613014.

Allele frequency attached by ClinVar (database versions not stated): gnomAD exomes below 0.00001; TOPMed below 0.00001; ExAC 0.00001; gnomAD 0.00001 and 0.00002; ESP Exome Variant Server 0.00008.
gnomAD v4.1: 12 of 1,613,618 alleles (0.00074%); highest among the groups gnomAD compares: Middle Eastern, 0.016%; no homozygotes.

Submissions (2):

Labcorp Genetics (formerly Invitae), Labcorp
Classification: Uncertain significance for Neuroblastoma, susceptibility to, 3. Last evaluated: 2025-07-09. Review status: criteria provided, single submitter. Criteria: Invitae Variant Classification Sherloc (09022015). Collection method: clinical testing. Allele origin: germline.
Comment: This sequence change falls in intron 12 of the ALK gene. It does not directly change the encoded amino acid sequence of the ALK protein. It affects a nucleotide within the consensus splice site. This variant is present in population databases (rs367892725, gnomAD 0.0008%). This variant has not been reported in the literature in individuals affected with ALK-related conditions. ClinVar contains an entry for this variant (Variation ID: 578692). Variants that disrupt the consensus splice site are a relatively common cause of aberrant splicing (PMID: 17576681, 9536098). Algorithms developed to predict the effect of sequence changes on RNA splicing suggest that this variant is not likely to affect RNA splicing. In summary, the available evidence is currently insufficient to determine the role of this variant in disease. Therefore, it has been classified as a Variant of Uncertain Significance.

Ambry Genetics
Classification: Uncertain significance for Hereditary cancer-predisposing syndrome. Last evaluated: 2025-02-03. Review status: criteria provided, single submitter. Criteria: Ambry Variant Classification Scheme 2023. Collection method: clinical testing. Allele origin: germline.
Comment: The c.2204+5G>A intronic variant results from a G to A substitution 5 nucleotides after coding exon 12 in the ALK gene. This nucleotide position is highly conserved in available vertebrate species. In silico splice site analysis predicts that this alteration will not have any significant effect on splicing. Based on the available evidence, the clinical significance of this variant remains unclear.

Literature cited by the submitters: PubMed 17576681 (cited by Labcorp Genetics (formerly Invitae), Labcorp); PubMed 9536098 (cited by Labcorp Genetics (formerly Invitae), Labcorp).